The following is an entry in ClinVar:

ClinVar aggregate classification (germline): Uncertain significance (1 of 4 stars; one submission).

gnomAD v4.1: 2 of 1,613,704 alleles (0.00012%); highest among the groups gnomAD compares: East Asian, 0.0022%; no homozygotes.

Submission:

Labcorp Genetics (formerly Invitae), Labcorp
Classification: Uncertain significance. Last evaluated: 2022-06-27. Review status: criteria provided, single submitter. Criteria: Invitae Variant Classification Sherloc (09022015). Collection method: clinical testing. Allele origin: germline.
Comment: This sequence change replaces asparagine, which is neutral and polar, with threonine, which is neutral and polar, at codon 1063 of the KIAA1549 protein (p.Asn1063Thr). This variant is not present in population databases (gnomAD no frequency). This variant has not been reported in the literature in individuals affected with KIAA1549-related conditions. Algorithms developed to predict the effect of missense changes on protein structure and function are either unavailable or do not agree on the potential impact of this missense change (SIFT: "Deleterious"; PolyPhen-2: "Benign"; Align-GVGD: "Class C0"). In summary, the available evidence is currently insufficient to determine the role of this variant in disease. Therefore, it has been classified as a Variant of Uncertain Significance.

NM_001164665.2(KIAA1549):c.3188A>C (p.Asn1063Thr)

Gene: KIAA1549 (KIAA1549; minus strand). Cytogenetic location: 7q34.
Variant type: single nucleotide variant.
Coding change: c.3188A>C on transcript NM_001164665.2 (MANE Select); coding-DNA position 3188, A replaced by C.
Protein change: p.Asn1063Thr; replaces asparagine 1063 with threonine.
Molecular consequence: missense variant.
Genome position (GRCh38, 1-based): chr7:138,909,079, T>G on the plus strand (A>C on the coding strand, the complement: KIAA1549 is on the minus strand). VCF-style: chr7-138909079-T-G. GRCh37 (hg19) VCF-style: chr7-138593825-T-G.
Other names: c.3188A>C, p.Asn1063Thr (NM_020910.3); short protein forms N1063T.
Identifiers: ClinVar variation 2045500 (VCV002045500.4), dbSNP rs199814331, ClinGen allele CA369387390.
Genomic context (GRCh38, chr7:138,909,079, plus strand): 5'-TGGTGTTTTCTCACTTCAAAGAGAGCTGTCATTAGGCCTTTCTCAATGCGCTGGGTGAAG[T>G]TGCAGAAGCCAGTATCCACACTCGGAGGCACAAACTGAAGTACTGAAAAGAAAAGCAATC-3'
Protein context (NP_001158137.1, residues 1053-1073): VPPSVDTGFC[Asn1063Thr]FTQRIEKGLM